The following is an entry in ClinVar:

NM_001199138.2(NLRC4):c.1084C>G (p.Leu362Val)

Gene: NLRC4 (NLR family CARD domain containing 4; minus strand). Cytogenetic location: 2p22.3.
Variant type: single nucleotide variant.
Coding change: c.1084C>G on transcript NM_001199138.2 (MANE Select); coding-DNA position 1084, C replaced by G.
Protein change: p.Leu362Val; replaces leucine 362 with valine.
Molecular consequence: missense variant. On other transcripts: intron variant (1).
Genome position (GRCh38, 1-based): chr2:32,250,780, G>C on the plus strand (C>G on the coding strand, the complement: NLRC4 is on the minus strand). VCF-style: chr2-32250780-G-C. GRCh37 (hg19) VCF-style: chr2-32475849-G-C.
Other names: c.1084C>G, p.Leu362Val (NM_001199139.2, NM_021209.5); c.262+1639C>G (NM_001302504.1); short protein forms L362V.
Identifiers: ClinVar variation 4782640 (VCV004782640.1).
Genomic context (GRCh38, chr2:32,250,780, plus strand): 5'-CCACACCTTTATGTTTGTGTTTGTTTTTCTGTATCAACAGATCATAGAAGGTATGGAACA[G>C]CGTTGTTTGTGTGTGAGAGTGGAACTCACTTTCACCCATCTGGATTGCACAAGTGATGAC-3'
Protein context (NP_001186067.1, residues 352-372): SEFHSHTQTT[Leu362Val]FHTFYDLLIQ

ClinVar aggregate classification (germline): Uncertain significance (1 of 4 stars; one submission).

Conditions:
Periodic fever-infantile enterocolitis-autoinflammatory syndrome. Also called: Autoinflammation with infantile enterocolitis. Identifiers: Orphanet 436166, MedGen C4015067, MONDO:0014472, OMIM 616050.
Familial cold autoinflammatory syndrome 4 (FCAS4). Identifiers: Orphanet 47045, Orphanet 576349, MedGen C4015276, MONDO:0014498, OMIM 616115.

Submission:

Labcorp Genetics (formerly Invitae), Labcorp
Classification: Uncertain significance for Periodic fever-infantile enterocolitis-autoinflammatory syndrome; Familial cold autoinflammatory syndrome 4. Last evaluated: 2025-08-31. Review status: criteria provided, single submitter. Criteria: Invitae Variant Classification Sherloc (09022015). Collection method: clinical testing. Allele origin: germline.
Comment: This sequence change replaces leucine, which is neutral and non-polar, with valine, which is neutral and non-polar, at codon 362 of the NLRC4 protein (p.Leu362Val). This variant is not present in population databases (gnomAD no frequency). This variant has not been reported in the literature in individuals affected with NLRC4-related conditions. Invitae Evidence Modeling of protein sequence and biophysical properties (such as structural, functional, and spatial information, amino acid conservation, physicochemical variation, residue mobility, and thermodynamic stability) indicates that this missense variant is expected to disrupt NLRC4 protein function with a positive predictive value of 80%. In summary, the available evidence is currently insufficient to determine the role of this variant in disease. Therefore, it has been classified as a Variant of Uncertain Significance.